The following is an entry in ClinVar:

NM_001556.3(IKBKB):c.314G>A (p.Arg105Gln)

Gene: IKBKB (inhibitor of nuclear factor kappa B kinase subunit beta; plus strand). Cytogenetic location: 8p11.21.
Variant type: single nucleotide variant.
Coding change: c.314G>A on transcript NM_001556.3 (MANE Select); coding-DNA position 314, G replaced by A.
Protein change: p.Arg105Gln; replaces arginine 105 with glutamine.
Molecular consequence: missense variant. On other transcripts: non-coding transcript variant (3).
Genome position (GRCh38, 1-based): chr8:42,290,269, G>A. VCF-style: chr8-42290269-G-A. GRCh37 (hg19) VCF-style: chr8-42147787-G-A.
Other names: c.122G>A, p.Arg41Gln (NM_001190720.3); c.137G>A, p.Arg46Gln (NM_001242778.2); short protein forms R46Q, R105Q, R41Q.
Identifiers: ClinVar variation 1525033 (VCV001525033.8), dbSNP rs1446214032, ClinGen allele CA371093398.

ClinVar aggregate classification (germline): Uncertain significance (1 of 4 stars; one submission).

Conditions:
Severe combined immunodeficiency due to IKK2 deficiency. Also called: Immunodeficiency 15; IMMUNODEFICIENCY 15B. Identifiers: Orphanet 397787, MedGen C4747743, MONDO:0014267, OMIM 615592.

Allele frequency attached by ClinVar (database versions not stated): TOPMed below 0.00001.

Submission:

Labcorp Genetics (formerly Invitae), Labcorp
Classification: Uncertain significance for Severe combined immunodeficiency due to IKK2 deficiency. Last evaluated: 2021-06-10. Review status: criteria provided, single submitter. Criteria: Invitae Variant Classification Sherloc (09022015). Collection method: clinical testing. Allele origin: germline.
Comment: Advanced modeling of protein sequence and biophysical properties (such as structural, functional, and spatial information, amino acid conservation, physicochemical variation, residue mobility, and thermodynamic stability) performed at Invitae indicates that this missense variant is not expected to disrupt IKBKB protein function. In summary, the available evidence is currently insufficient to determine the role of this variant in disease. Therefore, it has been classified as a Variant of Uncertain Significance. This variant has not been reported in the literature in individuals with IKBKB-related conditions. This variant is not present in population databases (ExAC no frequency). This sequence change replaces arginine with glutamine at codon 105 of the IKBKB protein (p.Arg105Gln). The arginine residue is highly conserved and there is a small physicochemical difference between arginine and glutamine.